The following is an entry in ClinVar:

ClinVar aggregate classification (germline): Pathogenic. Review status: criteria provided, multiple submitters, no conflicts (2 of 4 stars). 3 submissions from 3 submitters: Pathogenic (3). Last evaluated 2024-02-15.

Conditions:
Autosomal recessive nonsyndromic hearing loss 3. Also called: NEUROSENSORY NONSYNDROMIC RECESSIVE DEAFNESS 3. Identifiers: Orphanet 90636, MedGen C1838263, MONDO:0010860, OMIM 600316.

Submissions (3):

GeneDx
Classification: Pathogenic. Last evaluated: 2024-02-15. Review status: criteria provided, single submitter. Criteria: GeneDx Variant Classification Process June 2021. Collection method: clinical testing. Allele origin: germline. Affected: yes.
Comment: Frameshift variant predicted to result in protein truncation or nonsense mediated decay in a gene for which loss-of-function is a known mechanism of disease; Not observed at significant frequency in large population cohorts (gnomAD); This variant is associated with the following publications: (PMID: 34388253, 26445815)

Labcorp Genetics (formerly Invitae), Labcorp
Classification: Pathogenic. Last evaluated: 2022-12-31. Review status: criteria provided, single submitter. Criteria: Invitae Variant Classification Sherloc (09022015). Collection method: clinical testing. Allele origin: germline.
Comment: This premature translational stop signal has been observed in individual(s) with deafness (PMID: 26445815). This sequence change creates a premature translational stop signal (p.Lys96Glufs*132) in the MYO15A gene. It is expected to result in an absent or disrupted protein product. Loss-of-function variants in MYO15A are known to be pathogenic (PMID: 17546645). This variant is present in population databases (no rsID available, gnomAD 0.0009%). This variant is also known as c.283_284insA. For these reasons, this variant has been classified as Pathogenic.

Genetics Research Center, University of Social Welfare and Rehabilitation Sciences
Classification: Pathogenic for Autosomal recessive nonsyndromic hearing loss 3. Review status: criteria provided, single submitter. Criteria: ACMG Guidelines, 2015. Collection method: research. Allele origin: germline. Affected: yes.
Comment: The variant is present in the gnomAD v2.1.1 dataset at a very low allele frequency (0.0004%) and has been previously reported in individual(s) affected with MYO15A-related hearing loss (PMID:17546645, 26445815). It is a premature termination codon expected to result in an absent or disrupted protein product.

Literature cited by the submitters: PubMed 26445815 (cited by Labcorp Genetics (formerly Invitae), Labcorp and Genetics Research Center, University of Social Welfare and Rehabilitation Sciences); PubMed 17546645 (cited by Labcorp Genetics (formerly Invitae), Labcorp and Genetics Research Center, University of Social Welfare and Rehabilitation Sciences).

NM_016239.4(MYO15A):c.284dup (p.Lys96fs)

Gene: MYO15A (myosin XVA; plus strand). Cytogenetic location: 17p11.2.
Variant type: Duplication.
Coding change: c.284dup on transcript NM_016239.4 (MANE Select); coding-DNA position 284, one base duplicated (A; older notation c.284dupA).
Protein change: p.Lys96fs; shifts the reading frame from lysine 96.
Molecular consequence: frameshift variant.
Genome position (GRCh38, 1-based): chr17:18,119,084, A duplicated; the last of 2 consecutive A bases (chr17:18,119,083-18,119,084); duplicating either gives the same sequence. VCF-style (leftmost placement, unchanged base first): chr17-18119082-G-GA. GRCh37 (hg19) VCF-style: chr17-18022396-G-GA.
Other names: c.284dup (NM_016239.3); short protein forms K96fs.
Identifiers: ClinVar variation 2736459 (VCV002736459.5), dbSNP rs1356633870, ClinGen allele CA625315013.
Genomic context (GRCh38, chr17:18,119,082, plus strand): 5'-GAAGGCCCGCACCGTGCTCAAGTCCACGTCAAAGCTCATGACGCAGATGCGCATGGGCAA[G>GA]AAGAAGCGGGCGATGAAGGGCAAGAAGCCGTCCTTCATGGTGATCCGCTTCCCAGGCCGC-3'